The following is an entry in ClinVar:

NM_006329.4(FBLN5):c.128T>C (p.Ile43Thr)

Gene: FBLN5 (fibulin 5; minus strand). Cytogenetic location: 14q32.12.
Variant type: single nucleotide variant.
Coding change: c.128T>C on transcript NM_006329.4 (MANE Select); coding-DNA position 128, T replaced by C.
Protein change: p.Ile43Thr; replaces isoleucine 43 with threonine.
Molecular consequence: missense variant. On other transcripts: 5 prime UTR variant (2).
Genome position (GRCh38, 1-based): chr14:91,937,198, A>G on the plus strand (T>C on the coding strand, the complement: FBLN5 is on the minus strand). VCF-style: chr14-91937198-A-G. GRCh37 (hg19) VCF-style: chr14-92403542-A-G.
Other names: c.251T>C, p.Ile84Thr (NM_001384158.1); c.179T>C, p.Ile60Thr (NM_001384159.1); c.128T>C, p.Ile43Thr (NM_001384160.1); c.-41T>C (NM_001384161.1, NM_001384162.1); short protein forms I60T, I84T, I43T.
Identifiers: ClinVar variation 1927826 (VCV001927826.6), dbSNP rs901025258, ClinGen allele CA265607785.

ClinVar aggregate classification (germline): Uncertain significance. Review status: criteria provided, multiple submitters, no conflicts (2 of 4 stars). 2 submissions from 2 submitters: Uncertain significance (2). Last evaluated 2025-10-29.

Conditions:
Inborn genetic diseases. Identifiers: MedGen C0950123, MeSH D030342.

Allele frequency attached by ClinVar (database versions not stated): gnomAD exomes below 0.00001; gnomAD 0.00001; TOPMed 0.00001.
gnomAD v4.1: 8 of 1,614,004 alleles (0.0005%); highest among the groups gnomAD compares: Admixed American, 0.0033%; no homozygotes.

Submissions (2):

Ambry Genetics
Classification: Uncertain significance for Inborn genetic diseases. Last evaluated: 2025-10-29. Review status: criteria provided, single submitter. Criteria: Ambry Variant Classification Scheme 2023. Collection method: clinical testing. Allele origin: germline.

Labcorp Genetics (formerly Invitae), Labcorp
Classification: Uncertain significance. Last evaluated: 2025-02-06. Review status: criteria provided, single submitter. Criteria: Invitae Variant Classification Sherloc (09022015). Collection method: clinical testing. Allele origin: germline.
Comment: This sequence change replaces isoleucine, which is neutral and non-polar, with threonine, which is neutral and polar, at codon 43 of the FBLN5 protein (p.Ile43Thr). This variant is present in population databases (no rsID available, gnomAD 0.003%). This variant has not been reported in the literature in individuals affected with FBLN5-related conditions. ClinVar contains an entry for this variant (Variation ID: 1927826). An algorithm developed to predict the effect of missense changes on protein structure and function (PolyPhen-2) suggests that this variant is likely to be tolerated. In summary, the available evidence is currently insufficient to determine the role of this variant in disease. Therefore, it has been classified as a Variant of Uncertain Significance.